The following is an entry in ClinVar:

ClinVar aggregate classification (germline): Pathogenic (1 of 4 stars; one submission).

Conditions:
Autosomal recessive severe congenital neutropenia due to G6PC3 deficiency. Also called: NEUTROPENIA, SEVERE CONGENITAL, 4, AUTOSOMAL RECESSIVE; G6PC3 Deficiency. Identifiers: Orphanet 331176, MedGen C2751630, MONDO:0012930, OMIM 612541.

Submission:

Labcorp Genetics (formerly Invitae), Labcorp
Classification: Pathogenic for Autosomal recessive severe congenital neutropenia due to G6PC3 deficiency. Last evaluated: 2025-03-21. Review status: criteria provided, single submitter. Criteria: Invitae Variant Classification Sherloc (09022015). Collection method: clinical testing. Allele origin: germline.
Comment: This sequence change creates a premature translational stop signal (p.Ile125Cysfs*14) in the G6PC3 gene. It is expected to result in an absent or disrupted protein product. Loss-of-function variants in G6PC3 are known to be pathogenic (PMID: 19118303, 25491320). This variant is present in population databases (no rsID available, gnomAD 0.0009%). This variant has not been reported in the literature in individuals affected with G6PC3-related conditions. For these reasons, this variant has been classified as Pathogenic.

Literature cited by the submitters: PubMed 19118303; PubMed 25491320.

NM_138387.4(G6PC3):c.373_385del (p.Ile125fs)

Gene: G6PC3 (glucose-6-phosphatase catalytic subunit 3; plus strand). Cytogenetic location: 17q21.31.
Variant type: Deletion.
Coding change: c.373_385del on transcript NM_138387.4 (MANE Select); coding-DNA positions 373 to 385, 13 bases deleted (ATAATGACGGCCC).
Protein change: p.Ile125fs; shifts the reading frame from isoleucine 125.
Molecular consequence: frameshift variant.
Genome position (GRCh38, 1-based): chr17:44,074,727-44,074,739, ATAATGACGGCCC deleted; deleting any 13 consecutive bases within chr17:44,074,722-44,074,739 gives the same sequence; the c. name uses the placement nearest the transcript's 3' end. VCF-style (leftmost placement, unchanged base first): chr17-44074721-TGGCCCATAATGAC-T. GRCh37 (hg19) VCF-style: chr17-42152089-TGGCCCATAATGAC-T.
Other names: c.373_385del, p.Ile125fs (NM_001319945.2); c.28_40del, p.Ile10fs (NM_001384165.1, NM_001384166.1, NM_001384167.1 and 1 more transcripts); short protein forms I125fs, I10fs.
Identifiers: ClinVar variation 4715262 (VCV004715262.1).
Genomic context (GRCh38, chr17:44,074,721, plus strand): 5'-CTTCTGGATTTGCTGGCAGGCAGCCCTTCTGGACACTGCATGATCACAGGAGCAGCCCTC[TGGCCCATAATGAC>T]GGCCCTGTCTTCGCAGGTGGCCACTCGGGCCCGCAGGTATACCCTTGGCATTGCCCACCA-3'